The following is an entry in ClinVar:

NM_004370.6(COL12A1):c.4511T>A (p.Ile1504Asn)

Gene: COL12A1 (collagen type XII alpha 1 chain; minus strand). Cytogenetic location: 6q13.
Variant type: single nucleotide variant.
Coding change: c.4511T>A on transcript NM_004370.6 (MANE Select); coding-DNA position 4511, T replaced by A.
Protein change: p.Ile1504Asn; replaces isoleucine 1504 with asparagine.
Molecular consequence: missense variant.
Genome position (GRCh38, 1-based): chr6:75,146,151, A>T on the plus strand (T>A on the coding strand, the complement: COL12A1 is on the minus strand). VCF-style: chr6-75146151-A-T. GRCh37 (hg19) VCF-style: chr6-75855867-A-T.
Other names: c.1019T>A, p.Ile340Asn (NM_080645.3, NM_001424116.1); c.4511T>A, p.Ile1504Asn (NM_001424113.1, NM_001424114.1); c.4238T>A, p.Ile1413Asn (NM_001424115.1); short protein forms I1413N, I1504N, I340N.
Identifiers: ClinVar variation 3753465 (VCV003753465.2).
Genomic context (GRCh38, chr6:75,146,151, plus strand): 5'-ACATCTTTCACCTCTTTGGGTCTTGTTGGCTCTGTGTCCTTAACAGGTTTGTATGACAAG[A>T]TGTAGCCAGTAGCTCCTCCCACAGGCTGCCACTGCACATGCATGGTGGTAGGGCCAACAT-3'
Protein context (NP_004361.3, residues 1494-1514): WQPVGGATGY[Ile1504Asn]LSYKPVKDTE

ClinVar aggregate classification (germline): Uncertain significance (1 of 4 stars; one submission).

Conditions:
Ullrich congenital muscular dystrophy 2 (UCMD2). Identifiers: Orphanet 75840, MedGen C4225314, MONDO:0014654, OMIM 616470.
Bethlem myopathy 2 (BTHLM2). Identifiers: Orphanet 536516, Orphanet 610, MedGen C4225313, MONDO:0034022, OMIM 616471.

Submission:

Labcorp Genetics (formerly Invitae), Labcorp
Classification: Uncertain significance for Bethlem myopathy 2; Ullrich congenital muscular dystrophy 2. Last evaluated: 2024-03-26. Review status: criteria provided, single submitter. Criteria: Invitae Variant Classification Sherloc (09022015). Collection method: clinical testing. Allele origin: germline.
Comment: This sequence change replaces isoleucine, which is neutral and non-polar, with asparagine, which is neutral and polar, at codon 1504 of the COL12A1 protein (p.Ile1504Asn). This variant is not present in population databases (gnomAD no frequency). This variant has not been reported in the literature in individuals affected with COL12A1-related conditions. Advanced modeling of protein sequence and biophysical properties (such as structural, functional, and spatial information, amino acid conservation, physicochemical variation, residue mobility, and thermodynamic stability) performed at Invitae indicates that this missense variant is not expected to disrupt COL12A1 protein function with a negative predictive value of 80%. In summary, the available evidence is currently insufficient to determine the role of this variant in disease. Therefore, it has been classified as a Variant of Uncertain Significance.